The following is an entry in ClinVar:

ClinVar aggregate classification (germline): Likely pathogenic. Review status: criteria provided, multiple submitters, no conflicts (2 of 4 stars). 3 submissions from 3 submitters: Likely pathogenic (3). Last evaluated 2024-12-05.

Conditions:
Familial hypokalemia-hypomagnesemia (GTLMNS). Also called: HYPOMAGNESEMIA-HYPOKALEMIA, PRIMARY RENOTUBULAR, WITH HYPOCALCIURIA; POTASSIUM AND MAGNESIUM DEPLETION; gitelman syndrome. Identifiers: Orphanet 358, MedGen C0268450, MONDO:0009904, OMIM 263800.

Submissions (3):

Natera, Inc.
Classification: Likely pathogenic for Gitelman syndrome. Last evaluated: 2024-12-05. Review status: criteria provided, single submitter. Criteria: Natera Variant Classification Schema (03/2026). Collection method: clinical testing. Allele origin: germline.
Comment: The c.497dup variant in SLC12A3 is a frameshift variant predicted to shift the reading frame beginning at codon 167 and leads to a stop codon 92 codons downstream. This variant is expected to result in nonsense mediated decay, truncation, or a dysfunctional protein product. This variant is rare in the general population with a frequency below the threshold expected for the associated phenotype(s). Given the available evidence, this variant is classified as Likely Pathogenic.

Fulgent Genetics
Classification: Likely pathogenic for Familial hypokalemia-hypomagnesemia. Last evaluated: 2024-06-18. Review status: criteria provided, single submitter. Criteria: ACMG Guidelines, 2015. Collection method: clinical testing. Allele origin: germline.

Kariminejad - Najmabadi Pathology & Genetics Center
Classification: Likely pathogenic for Familial hypokalemia-hypomagnesemia. Review status: criteria provided, single submitter. Criteria: ACMG Guidelines, 2015. Collection method: clinical testing. Allele origin: germline. Affected: no.

NM_001126108.2(SLC12A3):c.497dup (p.Gly167fs)

Gene: SLC12A3 (solute carrier family 12 member 3; plus strand). Cytogenetic location: 16q13.
Variant type: Duplication.
Coding change: c.497dup on transcript NM_001126108.2 (MANE Select); coding-DNA position 497, one base duplicated (C; older notation c.497dupC).
Protein change: p.Gly167fs; shifts the reading frame from glycine 167.
Molecular consequence: frameshift variant.
Genome position (GRCh38, 1-based): chr16:56,868,364, C duplicated. VCF-style (leftmost placement, unchanged base first): chr16-56868363-G-GC. GRCh37 (hg19) VCF-style: chr16-56902275-G-GC.
Other names: c.497dup, p.Gly167fs (NM_000339.3); c.494dup, p.Gly166fs (NM_001126107.2, NM_001410896.1); c.497dup (NM_000339.2); short protein forms G166fs, G167fs.
Identifiers: ClinVar variation 3580964 (VCV003580964.3).
Genomic context (GRCh38, chr16:56,868,363, plus strand): 5'-TGCATGCTCAACATTTGGGGCGTGATCCTCTACCTGCGGCTGCCCTGGATTACGGCCCAG[G>GC]CAGGCATCGGTGAGTGCCCCTCTGGGGAAGAGGAGGGAGGGCTTGCCTGAATCCCATTCT-3'